The following is an entry in ClinVar:

NM_006946.4(SPTBN2):c.7051C>T (p.Arg2351Trp)

Gene: SPTBN2 (spectrin beta, non-erythrocytic 2; minus strand). Cytogenetic location: 11q13.2.
Variant type: single nucleotide variant.
Coding change: c.7051C>T on transcript NM_006946.4 (MANE Select); coding-DNA position 7051, C replaced by T.
Protein change: p.Arg2351Trp; replaces arginine 2351 with tryptophan.
Molecular consequence: missense variant.
Genome position (GRCh38, 1-based): chr11:66,685,993, G>A on the plus strand (C>T on the coding strand, the complement: SPTBN2 is on the minus strand). VCF-style: chr11-66685993-G-A. GRCh37 (hg19) VCF-style: chr11-66453464-G-A.
Other names: short protein forms R2351W.
Identifiers: ClinVar variation 1256192 (VCV001256192.3), dbSNP rs753896989, ClinGen allele CA6127651.

ClinVar aggregate classification (germline): Uncertain significance (1 of 4 stars; one submission).

Allele frequency attached by ClinVar (database versions not stated): TOPMed 0.00002; ExAC 0.00005; gnomAD 0.00005 and 0.00007; gnomAD exomes 0.00005 and 0.00006.
gnomAD v4.1: 99 of 1,613,590 alleles (0.0061%); highest among the groups gnomAD compares: Non-Finnish European, 0.0071%; no homozygotes.

Submission:

Athena Diagnostics
Classification: Uncertain significance. Last evaluated: 2025-04-29. Review status: criteria provided, single submitter. Criteria: Athena Diagnostics Criteria. Collection method: clinical testing. Allele origin: unknown.
Comment: Available data are insufficient to determine the clinical significance of the variant at this time. The frequency of this variant in the general population is higher than would generally be expected for pathogenic variants in this gene. Polyphen and MutationTaster predict this amino acid change may be damaging to the protein.